The following is an entry in ClinVar:

NM_000540.3(RYR1):c.14975dup (p.Leu4993fs)

Gene: RYR1 (ryanodine receptor 1; plus strand). Cytogenetic location: 19q13.2.
Variant type: Duplication.
Coding change: c.14975dup on transcript NM_000540.3 (MANE Select); coding-DNA position 14975, one base duplicated (T; older notation c.14975dupT).
Protein change: p.Leu4993fs; shifts the reading frame from leucine 4993.
Molecular consequence: frameshift variant.
Genome position (GRCh38, 1-based): chr19:38,586,530, T duplicated; the last of 5 consecutive T bases (chr19:38,586,526-38,586,530); duplicating any one gives the same sequence. VCF-style (leftmost placement, unchanged base first): chr19-38586525-G-GT. GRCh37 (hg19) VCF-style: chr19-39077165-G-GT.
Other names: c.14960dup, p.Leu4988fs (NM_001042723.2); short protein forms L4988fs, L4993fs.
Identifiers: ClinVar variation 5005991 (VCV005005991.2).

ClinVar aggregate classification (germline): Likely pathogenic (1 of 4 stars; one submission).

Conditions:
Congenital multicore myopathy with external ophthalmoplegia (CMYO1B). Also called: MULTIMINICORE DISEASE WITH EXTERNAL OPHTHALMOPLEGIA; Minicore myopathy with external ophthalmoplegia; Congenital myopathy 1B, autosomal recessive; Minicore myopathy; MULTICORE MYOPATHY. Identifiers: Orphanet 598, Orphanet 98905, MedGen C1850674, MONDO:0009712, OMIM 255320, HP:0003789.
Central core myopathy (CMYO1A). Also called: CONGENITAL MYOPATHY 1A, AUTOSOMAL DOMINANT, WITH SUSCEPTIBILITY TO MALIGNANT HYPERTHERMIA; Central core disease; Myopathy, central fibrillar. Identifiers: Orphanet 597, MedGen C5830701, MONDO:0007294, OMIM 117000.
King Denborough syndrome (KDS). Identifiers: MedGen C1840365, MONDO:0020485, OMIM 619542.
Malignant hyperthermia, susceptibility to, 1 (MHS1). Also called: Malignant hyperthermia suceptibility 1; Anesthesia related hyperthermia; Malignant hyperpyrexia; Fulminating hyperpyrexia; Pharmacogenic myopathy; RYR1-Related Malignant Hyperthermia Susceptibility. Identifiers: Orphanet 423, MedGen C2930980, MONDO:0007783, OMIM 145600.

Submission:

Juno Genomics, Hangzhou Juno Genomics, Inc
Classification: Likely pathogenic for Central core myopathy; Congenital multicore myopathy with external ophthalmoplegia; Malignant hyperthermia, susceptibility to, 1; King Denborough syndrome. Review status: criteria provided, single submitter. Criteria: ACMG Guidelines, 2015. Collection method: clinical testing. Allele origin: germline.
Comment: Null variant in a gene where loss of function (LOF) is a known mechanism of disease.;Absent from controls (or at extremely low frequency if recessive) in Genome Aggregation Database.